The following is an entry in ClinVar:

NM_005055.5(RAPSN):c.123dup (p.Arg42fs)

Gene: RAPSN (receptor associated protein of the synapse; minus strand). Cytogenetic location: 11p11.2.
Variant type: Duplication.
Coding change: c.123dup on transcript NM_005055.5 (MANE Select); coding-DNA position 123, one base duplicated (G; older notation c.123dupG).
Protein change: p.Arg42fs; shifts the reading frame from arginine 42.
Molecular consequence: frameshift variant.
Genome position (GRCh38, 1-based): chr11:47,448,842, C duplicated on the plus strand (G on the coding strand, the reverse complement: RAPSN is on the minus strand); the first of 4 consecutive C bases (chr11:47,448,842-47,448,845); duplicating any one gives the same sequence. VCF-style (leftmost placement, unchanged base first): chr11-47448841-G-GC. GRCh37 (hg19) VCF-style: chr11-47470393-G-GC.
Other names: c.123dup, p.Arg42fs (NM_001440490.1, NM_001440491.1, NM_001440492.1 and 13 more transcripts); short protein forms R42fs.
Identifiers: ClinVar variation 5011838 (VCV005011838.1).
Genomic context (GRCh38, chr11:47,448,841, plus strand): 5'-TCTCCTTGTAGCGGCCCATCTCCGAGTGGGCTGTGACCAGGCAGCCCAGCACGCGGAAGC[G>GC]CCCCATGAGGTCCGAGCTCTTCTCCAGCACCTTTGTCCACACCTGCAATGCCTTCTCTGT-3'

ClinVar aggregate classification (germline): Pathogenic (1 of 4 stars; one submission).

Conditions:
RAPSN-related disorder. Also called: RAPSN-related condition; RAPSN-related disorders. Identifiers: MedGen CN239397.

Submission:

Myriad Genetics, Inc.
Classification: Pathogenic for RAPSN-related disorder. Last evaluated: 2024-05-14. Review status: criteria provided, single submitter. Criteria: Myriad Autosomal Dominant, Autosomal Recessive and X-Linked Classification Criteria (2023). Collection method: clinical testing. Allele origin: unknown.
Comment: NM_005055.4(RAPSN):c.123dupG(R42Afs*116) is expected to be pathogenic in the context of RAPSN-related disorders. This variant is predicted to lead to an abnormal or absent protein product due to the creation of a premature termination codon in RAPSN, a gene where loss-of-function variants are known to be pathogenic. Please note: this variant was assessed in the context of healthy population screening.